The following is an entry in ClinVar:

NM_052989.3(IFT122):c.2681C>T (p.Ala894Val)

Gene: IFT122 (intraflagellar transport 122; plus strand). Cytogenetic location: 3q22.1.
Variant type: single nucleotide variant.
Coding change: c.2681C>T on transcript NM_052989.3 (MANE Select); coding-DNA position 2681, C replaced by T.
Protein change: p.Ala894Val; replaces alanine 894 with valine.
Molecular consequence: missense variant.
Genome position (GRCh38, 1-based): chr3:129,506,439, C>T. VCF-style: chr3-129506439-C-T. GRCh37 (hg19) VCF-style: chr3-129225282-C-T.
Other names: c.2657C>T, p.Ala886Val (NM_001280541.2); c.2231C>T, p.Ala744Val (NM_001280545.2); c.2054C>T, p.Ala685Val (NM_001280546.2); c.2504C>T, p.Ala835Val (NM_018262.4); c.2834C>T, p.Ala945Val (NM_052985.4); c.2348C>T, p.Ala783Val (NM_052990.3); short protein forms A945V, A886V, A894V, A783V, A685V, A744V, A835V.
Identifiers: ClinVar variation 343258 (VCV000343258.10), dbSNP rs376549217, ClinGen allele CA2606619.

ClinVar aggregate classification (germline): Uncertain significance. Review status: criteria provided, multiple submitters, no conflicts (2 of 4 stars). 3 submissions from 3 submitters: Uncertain significance (3). Last evaluated 2024-12-12.

Conditions:
Cranioectodermal dysplasia 1 (CED1). Also called: LEVIN SYNDROME I. Identifiers: Orphanet 1515, MedGen C0432235, MONDO:0021093, OMIM 218330.

Allele frequency attached by ClinVar (database versions not stated): gnomAD 0.00004; ESP Exome Variant Server 0.00008; TOPMed 0.00010; gnomAD exomes 0.00012; ExAC 0.00015.
gnomAD v4.1: 43 of 1,614,146 alleles (0.0027%); highest among the groups gnomAD compares: East Asian, 0.078%; no homozygotes.

Submissions (3):

Labcorp Genetics (formerly Invitae), Labcorp
Classification: Uncertain significance for Cranioectodermal dysplasia 1. Last evaluated: 2024-12-12. Review status: criteria provided, single submitter. Criteria: Invitae Variant Classification Sherloc (09022015). Collection method: clinical testing. Allele origin: germline.
Comment: This sequence change replaces alanine, which is neutral and non-polar, with valine, which is neutral and non-polar, at codon 945 of the IFT122 protein (p.Ala945Val). This variant is present in population databases (rs376549217, gnomAD 0.2%). This variant has not been reported in the literature in individuals affected with IFT122-related conditions. ClinVar contains an entry for this variant (Variation ID: 343258). Invitae Evidence Modeling of protein sequence and biophysical properties (such as structural, functional, and spatial information, amino acid conservation, physicochemical variation, residue mobility, and thermodynamic stability) indicates that this missense variant is expected to disrupt IFT122 protein function with a positive predictive value of 80%. In summary, the available evidence is currently insufficient to determine the role of this variant in disease. Therefore, it has been classified as a Variant of Uncertain Significance.

Fulgent Genetics
Classification: Uncertain significance for Cranioectodermal dysplasia 1. Last evaluated: 2024-03-06. Review status: criteria provided, single submitter. Criteria: ACMG Guidelines, 2015. Collection method: clinical testing. Allele origin: germline.

Illumina Laboratory Services, Illumina
Classification: Uncertain significance for Cranioectodermal dysplasia 1. Last evaluated: 2018-01-13. Review status: criteria provided, single submitter. Criteria: ICSL Variant Classification Criteria 13 December 2019. Collection method: clinical testing. Allele origin: germline.